The following is an entry in ClinVar:

ClinVar aggregate classification (germline): Uncertain significance. Review status: criteria provided, multiple submitters, no conflicts (2 of 4 stars). 2 submissions from 2 submitters: Uncertain significance (2). Last evaluated 2025-01-06.

Conditions:
Cardiovascular phenotype. Identifiers: MedGen CN230736.
Arrhythmogenic right ventricular dysplasia 5. Also called: Arrhythmogenic Right Ventricular Dysplasia/Cardiomyopathy 5; ARRHYTHMOGENIC RIGHT VENTRICULAR DYSPLASIA, FAMILIAL, 5. Identifiers: MedGen C1858379, MONDO:0011459, OMIM 604400.

Allele frequency attached by ClinVar (database versions not stated): gnomAD exomes below 0.00001.
gnomAD v4.1: 1 of 1,614,230 alleles (0.000062%); highest among the groups gnomAD compares: East Asian, 0.0022%; no homozygotes.

Submissions (2):

Ambry Genetics
Classification: Uncertain significance for Cardiovascular phenotype. Last evaluated: 2025-01-06. Review status: criteria provided, single submitter. Criteria: Ambry Variant Classification Scheme 2023. Collection method: clinical testing. Allele origin: germline.
Comment: The p.L359P variant (also known as c.1076T>C), located in coding exon 12 of the TMEM43 gene, results from a T to C substitution at nucleotide position 1076. The leucine at codon 359 is replaced by proline, an amino acid with similar properties. This amino acid position is conserved. In addition, this alteration is predicted to be deleterious by in silico analysis. Based on the available evidence, the clinical significance of this variant remains unclear.

All of Us Research Program, National Institutes of Health
Classification: Uncertain significance for Arrhythmogenic right ventricular dysplasia 5. Last evaluated: 2024-01-08. Review status: criteria provided, single submitter. Criteria: ACMG Guidelines, 2015. Collection method: clinical testing. Allele origin: germline. Inheritance: Autosomal dominant inheritance. Observed: 1 variant allele, 1 heterozygote.
Comment: This missense variant replaces leucine with proline at codon 359 of the TMEM43 protein. Computational prediction suggests that this variant may have deleterious impact on protein structure and function (internally defined REVEL score threshold >= 0.7, PMID: 27666373). To our knowledge, functional studies have not been reported for this variant. This variant has not been reported in individuals affected with TMEM43-related disorders in the literature. This variant has not been identified in the general population by the Genome Aggregation Database (gnomAD). The available evidence is insufficient to determine the role of this variant in disease conclusively. Therefore, this variant is classified as a Variant of Uncertain Significance.

This study involves interpretation of variants in research participants for the purpose of population health screening. Participant phenotype was not available at the time of variant classification. Additional details can be found in publication PMID: 35346344, PMCID: PMC8962531

NM_024334.3(TMEM43):c.1076T>C (p.Leu359Pro)

Gene: TMEM43 (transmembrane protein 43; plus strand). Cytogenetic location: 3p25.1.
Variant type: single nucleotide variant.
Coding change: c.1076T>C on transcript NM_024334.3 (MANE Select); coding-DNA position 1076, T replaced by C.
Protein change: p.Leu359Pro; replaces leucine 359 with proline.
Molecular consequence: missense variant.
Genome position (GRCh38, 1-based): chr3:14,141,668, T>C. VCF-style: chr3-14141668-T-C. GRCh37 (hg19) VCF-style: chr3-14183168-T-C.
Other names: c.1079T>C, p.Leu360Pro (NM_001407274.1); c.1073T>C, p.Leu358Pro (NM_001407275.1, NM_001407276.1); c.1070T>C, p.Leu357Pro (NM_001407277.1); c.1061T>C, p.Leu354Pro (NM_001407278.1); c.1001T>C, p.Leu334Pro (NM_001407279.1); c.926T>C, p.Leu309Pro (NM_001407280.1); short protein forms L309P, L334P, L354P, L357P, L358P, L359P, L360P.
Identifiers: ClinVar variation 3075299 (VCV003075299.2), dbSNP rs2470201230, ClinGen allele CA351536493.